The following is an entry in ClinVar:

ClinVar aggregate classification (germline): Likely benign (1 of 4 stars; one submission).

Submission:

CeGaT Center for Human Genetics Tuebingen
Classification: Likely benign. Last evaluated: 2025-09-01. Review status: criteria provided, single submitter. Criteria: CeGaT Center For Human Genetics Tuebingen Variant Classification Criteria Version 2. Collection method: clinical testing. Allele origin: germline. Affected: yes. Observed: 1 variant allele.
Comment: ERCC2: PM2:Supporting, BP4, BP7

NM_000400.4(ERCC2):c.2103C>A (p.Leu701=)

Gene: ERCC2 (ERCC excision repair 2, TFIIH core complex helicase subunit; minus strand). Cytogenetic location: 19q13.32.
Variant type: single nucleotide variant.
Coding change: c.2103C>A on transcript NM_000400.4 (MANE Select); coding-DNA position 2103, C replaced by A.
Protein change: p.Leu701=; no amino-acid change (leucine 701 retained).
Molecular consequence: synonymous variant. On other transcripts: non-coding transcript variant (3).
Genome position (GRCh38, 1-based): chr19:45,352,296, G>T on the plus strand (C>A on the coding strand, the complement: ERCC2 is on the minus strand). VCF-style: chr19-45352296-G-T. GRCh37 (hg19) VCF-style: chr19-45855554-G-T.
Other names: c.2031C>A, p.Leu677= (NM_001440355.1); c.2025C>A, p.Leu675= (NM_001440356.1); c.1980C>A, p.Leu660= (NM_001440357.1).
Identifiers: ClinVar variation 4281384 (VCV004281384.7).